The following is an entry in ClinVar:

NM_001372044.2(SHANK3):c.4239A>C (p.Ser1413=)

Gene: SHANK3 (SH3 and multiple ankyrin repeat domains 3; plus strand). Cytogenetic location: 22q13.33.
Variant type: single nucleotide variant.
Coding change: c.4239A>C on transcript NM_001372044.2 (MANE Select); coding-DNA position 4239, A replaced by C.
Protein change: p.Ser1413=; no amino-acid change (serine 1413 retained).
Molecular consequence: synonymous variant.
Genome position (GRCh38, 1-based): chr22:50,721,847, A>C. VCF-style: chr22-50721847-A-C. GRCh37 (hg19) VCF-style: chr22-51160275-A-C.
Identifiers: ClinVar variation 4820818 (VCV004820818.4).

ClinVar aggregate classification (germline): Likely benign (1 of 4 stars; one submission).

Submission:

CeGaT Center for Human Genetics Tuebingen
Classification: Likely benign. Last evaluated: 2026-03-01. Review status: criteria provided, single submitter. Criteria: CeGaT Center For Human Genetics Tuebingen Variant Classification Criteria Version 2. Collection method: clinical testing. Allele origin: germline. Affected: yes. Observed: 1 variant allele.
Comment: SHANK3: BP4, BP7